The following is an entry in ClinVar:

NM_001242896.3(DEPDC5):c.1218-5del

Gene: DEPDC5 (DEP domain containing 5, GATOR1 subcomplex subunit; plus strand). Cytogenetic location: 22q12.3.
Variant type: Deletion.
Coding change: c.1218-5del on transcript NM_001242896.3 (MANE Select); 5 bases into the intron before coding-DNA position 1218, one base deleted (T; older notation c.1218-5delT).
Molecular consequence: intron variant.
Genome position (GRCh38, 1-based): chr22:31,806,117, T deleted; the last of 4 consecutive T bases (chr22:31,806,114-31,806,117); deleting any one gives the same sequence. VCF-style (leftmost placement, unchanged base first): chr22-31806113-CT-C. GRCh37 (hg19) VCF-style: chr22-32202099-CT-C.
Other names: c.1218-5delT (NM_001242896.1); c.1218-5del (NM_001364318.2, NM_001136029.4, NM_014662.6 and 7 more transcripts); c.1134-5del (NM_001369902.1, NM_001369901.1).
Identifiers: ClinVar variation 1166556 (VCV001166556.17), dbSNP rs758572377, ClinGen allele CA10196284.
Genomic context (GRCh38, chr22:31,806,113, plus strand): 5'-TTTTAACTGTGTTTTGAGTTTTAAAATAAAGGGAATTTAGATTAATGACTCTGTTTGTTT[CT>C]TTTACAGTTTCTACACATCCAAAAGCCAGCTCTTTTGTAATAGTTTCACCCCACGAATAA-3'

ClinVar aggregate classification (germline): Benign/Likely benign. Review status: criteria provided, multiple submitters, no conflicts (2 of 4 stars). 5 submissions from 5 submitters: Benign (2); Likely benign (2). 1 of the submissions does not count toward it. Last evaluated 2026-01-01.

Conditions:
DEPDC5-related disorder. Also called: DEPDC5-related condition; DEPDC5-related related disorder.
Familial focal epilepsy with variable foci (FPEVF). Identifiers: Orphanet 98820, MedGen C1858477, MONDO:0020310.

Submissions (5):

CeGaT Center for Human Genetics Tuebingen
Classification: Likely benign. Last evaluated: 2026-01-01. Review status: criteria provided, single submitter. Criteria: CeGaT Center For Human Genetics Tuebingen Variant Classification Criteria Version 2. Collection method: clinical testing. Allele origin: germline. Affected: yes. Observed: 1 variant allele.
Comment: DEPDC5: BP4, BS1

Labcorp Genetics (formerly Invitae), Labcorp
Classification: Benign for Familial focal epilepsy with variable foci. Last evaluated: 2025-11-12. Review status: criteria provided, single submitter. Criteria: Invitae Variant Classification Sherloc (09022015). Collection method: clinical testing. Allele origin: germline.

Blueprint Genetics
Classification: Likely benign. Last evaluated: 2024-02-07. Review status: criteria provided, single submitter. Criteria: ACMG Guidelines, 2015. Collection method: clinical testing. Allele origin: germline.

GeneDx
Classification: Benign. Last evaluated: 2020-09-08. Review status: criteria provided, single submitter. Criteria: GeneDx Variant Classification Process June 2021. Collection method: clinical testing. Allele origin: germline. Affected: yes.

PreventionGenetics, part of Exact Sciences
Classification: Likely benign for DEPDC5-related condition. Last evaluated: 2019-02-24. Review status: no assertion criteria provided. Collection method: clinical testing. Allele origin: germline. Not counted in ClinVar's aggregate classification.
Comment: This variant is classified as likely benign based on ACMG/AMP sequence variant interpretation guidelines (Richards et al. 2015 PMID: 25741868, with internal and published modifications).